The following is an entry in ClinVar:

ClinVar aggregate classification (germline): Benign/Likely benign. Review status: criteria provided, multiple submitters, no conflicts (2 of 4 stars). 8 submissions from 8 submitters: Benign (1); Likely benign (5). 2 of the submissions do not count toward it. Last evaluated 2026-02-03.

Conditions:
BAP1-related tumor predisposition syndrome (TPDS1). Also called: Tumor susceptibility linked to germline BAP1 mutations; COMMON Syndrome; TUMOR PREDISPOSITION SYNDROME 1; BAP1 tumor predisposition syndrome. Identifiers: Orphanet 289539, MedGen C3280492, MONDO:0013692, OMIM 614327.
BAP1-related disorder. Also called: BAP1-related condition.
Hereditary cancer-predisposing syndrome. Also called: Tumor predisposition; Hereditary neoplastic syndrome; Neoplastic Syndromes, Hereditary; Hereditary Cancer Syndrome. Identifiers: Orphanet 140162, MedGen C0027672, MeSH D009386, MONDO:0015356.

Allele frequency attached by ClinVar (database versions not stated): gnomAD exomes 0.00003 and 0.00009; ExAC 0.00012; gnomAD 0.00035 and 0.00041; TOPMed 0.00043; ESP Exome Variant Server 0.00054.
gnomAD v4.1: 107 of 1,613,504 alleles (0.0066%); highest among the groups gnomAD compares: African/African-American, 0.11%; no homozygotes.

Submissions (8):

Labcorp Genetics (formerly Invitae), Labcorp
Classification: Likely benign for BAP1-related tumor predisposition syndrome. Last evaluated: 2026-02-03. Review status: criteria provided, single submitter. Criteria: Invitae Variant Classification Sherloc (09022015). Collection method: clinical testing. Allele origin: germline.

Color Diagnostics, LLC DBA Color Health
Classification: Likely benign for Hereditary cancer-predisposing syndrome. Last evaluated: 2024-09-19. Review status: criteria provided, single submitter. Criteria: ACMG Guidelines, 2015. Collection method: clinical testing. Allele origin: germline.

Myriad Genetics, Inc.
Classification: Benign for BAP1-related tumor predisposition syndrome. Last evaluated: 2023-07-06. Review status: criteria provided, single submitter. Criteria: Myriad Autosomal Dominant, Autosomal Recessive and X-Linked Classification Criteria (2023). Collection method: clinical testing. Allele origin: unknown.
Comment: This variant is considered benign. This variant has been observed at a population frequency that is significantly greater than expected given the associated disease prevalence and penetrance. Homozygosity has been confirmed in one or more individuals. As homozygosity for pathogenic variants in this gene is generally assumed to result in embryonic lethality, this variant is unlikely to be pathogenic.

Ambry Genetics
Classification: Likely benign for Hereditary cancer-predisposing syndrome. Last evaluated: 2023-01-12. Review status: criteria provided, single submitter. Criteria: Ambry Variant Classification Scheme 2023. Collection method: clinical testing. Allele origin: germline.

Sema4
Classification: Likely benign for Hereditary cancer-predisposing syndrome. Last evaluated: 2021-01-26. Review status: criteria provided, single submitter. Criteria: Sema4 Curation Guidelines. Collection method: curation. Allele origin: germline.

GeneDx
Classification: Likely benign. Last evaluated: 2021-01-25. Review status: criteria provided, single submitter. Criteria: GeneDx Variant Classification Process June 2021. Collection method: clinical testing. Allele origin: germline. Affected: yes.
Comment: In silico analysis supports that this missense variant does not alter protein structure/function; Identified in an individual with breast cancer and 1/681 healthy individuals under age 50 undergoing whole genome sequencing (Bodian 2014, Yehia 2018); Observed in 0.0138% (39/282620 alleles) in large population cohorts (Lek 2016); This variant is associated with the following publications: (PMID: 29684080, 24728327)

PreventionGenetics, part of Exact Sciences
Classification: Likely benign for BAP1-related condition. Last evaluated: 2023-07-20. Review status: no assertion criteria provided. Collection method: clinical testing. Allele origin: germline. Not counted in ClinVar's aggregate classification.
Comment: This variant is classified as likely benign based on ACMG/AMP sequence variant interpretation guidelines (Richards et al. 2015 PMID: 25741868, with internal and published modifications).

ITMI
No classification provided. Condition: AllHighlyPenetrant. Last evaluated: 2013-09-19. Review status: no classification provided. Collection method: reference population. Allele origin: germline. Not counted in ClinVar's aggregate classification.
Comment: Please see associated publication for description of ethnicities

Literature cited by the submitters: PubMed 24728327 (cited by Ambry Genetics and ITMI).

NM_004656.4(BAP1):c.905C>T (p.Pro302Leu)

Gene: BAP1 (BRCA1 associated deubiquitinase 1; minus strand). Cytogenetic location: 3p21.1.
Variant type: single nucleotide variant.
Coding change: c.905C>T on transcript NM_004656.4 (MANE Select); coding-DNA position 905, C replaced by T.
Protein change: p.Pro302Leu; replaces proline 302 with leucine.
Molecular consequence: missense variant.
Genome position (GRCh38, 1-based): chr3:52,405,791, G>A on the plus strand (C>T on the coding strand, the complement: BAP1 is on the minus strand). VCF-style: chr3-52405791-G-A. GRCh37 (hg19) VCF-style: chr3-52439807-G-A.
Other names: c.905C>T (LRG_529t1); short protein forms P302L.
Identifiers: ClinVar variation 133661 (VCV000133661.24), dbSNP rs149158790, ClinGen allele CA157244.
Genomic context (GRCh38, chr3:52,405,791, plus strand): 5'-TGAGGTCCACAAGAGGTCCCAAACCCCCCAGTACCTGTGTGGTTGCCCTCAGAGGCTGCA[G>A]GGGCCCTGTTTGCTTCCAGCACCAGCGGGGACTTGTTGCTGGCTGACTTGGACTCCTCAG-3'
Protein context (NP_004647.1, residues 292-312): SPLVLEANRA[Pro302Leu]AASEGNHTDG